The following is an entry in ClinVar:

NM_194248.3(OTOF):c.689C>G (p.Thr230Ser)

Gene: OTOF (otoferlin; minus strand). Cytogenetic location: 2p23.3.
Variant type: single nucleotide variant.
Coding change: c.689C>G on transcript NM_194248.3 (MANE Select); coding-DNA position 689, C replaced by G.
Protein change: p.Thr230Ser; replaces threonine 230 with serine.
Molecular consequence: missense variant.
Genome position (GRCh38, 1-based): chr2:26,502,321, G>C on the plus strand (C>G on the coding strand, the complement: OTOF is on the minus strand). VCF-style: chr2-26502321-G-C. GRCh37 (hg19) VCF-style: chr2-26725189-G-C.
Other names: c.689C>G, p.Thr230Ser (NM_001287489.2); short protein forms T230S.
Identifiers: ClinVar variation 3364600 (VCV003364600.1).

ClinVar aggregate classification (germline): Uncertain significance (1 of 4 stars; one submission).

gnomAD v4.1: 1 of 1,614,094 alleles (0.000062%); highest among the groups gnomAD compares: East Asian, 0.0022%; no homozygotes.

Submission:

GeneDx
Classification: Uncertain significance. Last evaluated: 2023-11-27. Review status: criteria provided, single submitter. Criteria: GeneDx Variant Classification Process June 2021. Collection method: clinical testing. Allele origin: germline. Affected: yes.
Comment: Not observed at significant frequency in large population cohorts (gnomAD); In silico analysis supports that this missense variant does not alter protein structure/function; Has not been previously published as pathogenic or benign to our knowledge